The following is an entry in ClinVar:

NM_003126.4(SPTA1):c.3398G>A (p.Arg1133Gln)

Gene: SPTA1 (spectrin alpha, erythrocytic 1; minus strand). Cytogenetic location: 1q23.1.
Variant type: single nucleotide variant.
Coding change: c.3398G>A on transcript NM_003126.4 (MANE Select); coding-DNA position 3398, G replaced by A.
Protein change: p.Arg1133Gln; replaces arginine 1133 with glutamine.
Molecular consequence: missense variant.
Genome position (GRCh38, 1-based): chr1:158,651,446, C>T on the plus strand (G>A on the coding strand, the complement: SPTA1 is on the minus strand). VCF-style: chr1-158651446-C-T. GRCh37 (hg19) VCF-style: chr1-158621236-C-T.
Other names: short protein forms R1133Q.
Identifiers: ClinVar variation 4795302 (VCV004795302.1).

ClinVar aggregate classification (germline): Uncertain significance (1 of 4 stars; one submission).

gnomAD v4.1: 33 of 1,613,262 alleles (0.002%); highest among the groups gnomAD compares: East Asian, 0.027%; no homozygotes.

Submission:

GeneDx
Classification: Uncertain significance. Last evaluated: 2025-08-16. Review status: criteria provided, single submitter. Criteria: GeneDx Variant Classification Process June 2021. Collection method: clinical testing. Allele origin: germline. Affected: yes.
Comment: In silico analysis supports that this missense variant has a deleterious effect on protein structure/function; Has not been previously published as pathogenic or benign to our knowledge